The following is an entry in ClinVar:

NM_001374828.1(ARID1B):c.1588C>T (p.Pro530Ser)

Gene: ARID1B (AT-rich interaction domain 1B; plus strand). Cytogenetic location: 6q25.3.
Variant type: single nucleotide variant.
Coding change: c.1588C>T on transcript NM_001374828.1 (MANE Select); coding-DNA position 1588, C replaced by T.
Protein change: p.Pro530Ser; replaces proline 530 with serine.
Molecular consequence: missense variant.
Genome position (GRCh38, 1-based): chr6:156,779,268, C>T. VCF-style: chr6-156779268-C-T. GRCh37 (hg19) VCF-style: chr6-157100402-C-T.
Other names: c.1339C>T, p.Pro447Ser (NM_001346813.1, NM_020732.3); c.1588C>T, p.Pro530Ser (NM_001371656.1, NM_001374820.1, NM_017519.3); c.1165C>T, p.Pro389Ser (NM_175863.2); short protein forms P389S, P447S, P530S.
Identifiers: ClinVar variation 2502799 (VCV002502799.1), dbSNP rs2115000550, ClinGen allele CA366385032.
Genomic context (GRCh38, chr6:156,779,268, plus strand): 5'-AGCCCCATGATGCGGAGCTACGGCGGCAGCTACCCCGAGTACAGCAGCCCCAGCGCGCCG[C>T]CGCCGCCGCCGTCGCAGCCCCAGTCCCAGGCGGCGGCGGCGGGGGCGGCGGCGGGCGGCC-3'
Protein context (NP_001361757.1, residues 520-540): YPEYSSPSAP[Pro530Ser]PPPSQPQSQA

ClinVar aggregate classification (germline): Uncertain significance (1 of 4 stars; one submission).

Submission:

GeneDx
Classification: Uncertain significance. Last evaluated: 2022-11-21. Review status: criteria provided, single submitter. Criteria: GeneDx Variant Classification Process June 2021. Collection method: clinical testing. Allele origin: germline. Affected: yes.
Comment: Not observed at significant frequency in large population cohorts (gnomAD); In silico analysis supports that this missense variant does not alter protein structure/function; Has not been previously published as pathogenic or benign to our knowledge